The following is an entry in ClinVar:

ClinVar aggregate classification (germline): Uncertain significance (1 of 4 stars; one submission).

Submission:

GeneDx
Classification: Uncertain significance. Last evaluated: 2024-11-26. Review status: criteria provided, single submitter. Criteria: GeneDx Variant Classification Process June 2021. Collection method: clinical testing. Allele origin: germline. Affected: yes.
Comment: Not observed at significant frequency in large population cohorts (gnomAD); In silico analysis supports that this missense variant has a deleterious effect on protein structure/function; Has not been previously published as pathogenic or benign to our knowledge

NM_004415.4(DSP):c.1508T>G (p.Met503Arg)

Gene: DSP (desmoplakin; plus strand). Cytogenetic location: 6p24.3.
Variant type: single nucleotide variant.
Coding change: c.1508T>G on transcript NM_004415.4 (MANE Select); coding-DNA position 1508, T replaced by G.
Protein change: p.Met503Arg; replaces methionine 503 with arginine.
Molecular consequence: missense variant.
Genome position (GRCh38, 1-based): chr6:7,569,274, T>G. VCF-style: chr6-7569274-T-G. GRCh37 (hg19) VCF-style: chr6-7569507-T-G.
Other names: c.1508T>G, p.Met503Arg (NM_001008844.3, NM_001319034.2); short protein forms M503R.
Identifiers: ClinVar variation 3900819 (VCV003900819.1).